The following is an entry in ClinVar:

ClinVar aggregate classification (germline): Likely benign (1 of 4 stars; one submission).

Allele frequency attached by ClinVar (database versions not stated): gnomAD exomes below 0.00001.
gnomAD v4.1: 1 of 1,547,570 alleles (0.000065%); highest among the groups gnomAD compares: South Asian, 0.0012%; no homozygotes.

Submission:

CeGaT Center for Human Genetics Tuebingen
Classification: Likely benign. Last evaluated: 2022-09-01. Review status: criteria provided, single submitter. Criteria: CeGaT Center For Human Genetics Tuebingen Variant Classification Criteria Version 2. Collection method: clinical testing. Allele origin: germline. Affected: yes. Observed: 1 variant allele.
Comment: CWF19L2: PM2:Supporting, BP4, BP7

NM_152434.3(CWF19L2):c.201T>C (p.Ile67=)

Gene: CWF19L2 (CWF19 like cell cycle control factor 2; minus strand). Cytogenetic location: 11q22.3.
Variant type: single nucleotide variant.
Coding change: c.201T>C on transcript NM_152434.3 (MANE Select); coding-DNA position 201, T replaced by C.
Protein change: p.Ile67=; no amino-acid change (isoleucine 67 retained).
Molecular consequence: synonymous variant.
Genome position (GRCh38, 1-based): chr11:107,455,681, A>G on the plus strand (T>C on the coding strand, the complement: CWF19L2 is on the minus strand). VCF-style: chr11-107455681-A-G. GRCh37 (hg19) VCF-style: chr11-107326407-A-G.
Identifiers: ClinVar variation 2642349 (VCV002642349.24), dbSNP rs1861843388, ClinGen allele CA476723388.